The following is an entry in ClinVar:

ClinVar aggregate classification (germline): Uncertain significance. Review status: criteria provided, multiple submitters, no conflicts (2 of 4 stars). 2 submissions from 2 submitters: Uncertain significance (2). Last evaluated 2022-06-13.

Conditions:
Neutral 1 amino acid transport defect (HND). Also called: Hartnup disease; HARTNUP DISORDER. Identifiers: Orphanet 2116, MedGen C0018609, MONDO:0009324, OMIM 234500.
Iminoglycinuria. Identifiers: Orphanet 42062, MedGen C0268654, MONDO:0009448, OMIM 242600.
Hyperglycinuria. Also called: GLYCINURIA WITH OR WITHOUT OXALATE NEPHROLITHIASIS; GLYCINURIA WITH OR WITHOUT OXALATE UROLITHIASIS; IMINOGLYCINURIA TYPE II. Identifiers: MedGen C0543541, MONDO:0007677, OMIM 138500, HP:0003108.

Allele frequency attached by ClinVar (database versions not stated): gnomAD 0.00002; TOPMed 0.00002; ExAC 0.00003; gnomAD exomes 0.00004; ESP Exome Variant Server 0.00008.
gnomAD v4.1: 173 of 1,613,982 alleles (0.011%); highest among the groups gnomAD compares: Non-Finnish European, 0.014%; no homozygotes.

Submissions (2):

Labcorp Genetics (formerly Invitae), Labcorp
Classification: Uncertain significance. Last evaluated: 2022-06-13. Review status: criteria provided, single submitter. Criteria: Invitae Variant Classification Sherloc (09022015). Collection method: clinical testing. Allele origin: germline.
Comment: This variant is present in population databases (rs370393309, gnomAD 0.007%). This sequence change replaces leucine, which is neutral and non-polar, with proline, which is neutral and non-polar, at codon 415 of the SLC6A19 protein (p.Leu415Pro). This variant has not been reported in the literature in individuals affected with SLC6A19-related conditions. In summary, the available evidence is currently insufficient to determine the role of this variant in disease. Therefore, it has been classified as a Variant of Uncertain Significance. Algorithms developed to predict the effect of missense changes on protein structure and function (SIFT, PolyPhen-2, Align-GVGD) all suggest that this variant is likely to be disruptive.

Fulgent Genetics
Classification: Uncertain significance for Hyperglycinuria; Neutral 1 amino acid transport defect; Iminoglycinuria. Last evaluated: 2022-04-19. Review status: criteria provided, single submitter. Criteria: ACMG Guidelines, 2015. Collection method: clinical testing. Allele origin: unknown.

NM_001003841.3(SLC6A19):c.1244T>C (p.Leu415Pro)

Gene: SLC6A19 (solute carrier family 6 member 19; plus strand). Cytogenetic location: 5p15.33.
Variant type: single nucleotide variant.
Coding change: c.1244T>C on transcript NM_001003841.3 (MANE Select); coding-DNA position 1244, T replaced by C.
Protein change: p.Leu415Pro; replaces leucine 415 with proline.
Molecular consequence: missense variant.
Genome position (GRCh38, 1-based): chr5:1,218,973, T>C. VCF-style: chr5-1218973-T-C. GRCh37 (hg19) VCF-style: chr5-1219088-T-C.
Other names: short protein forms L415P.
Identifiers: ClinVar variation 1513911 (VCV001513911.7), dbSNP rs370393309, ClinGen allele CA3183110.